The following is an entry in ClinVar:

ClinVar aggregate classification (germline): Uncertain significance. Review status: criteria provided, multiple submitters, no conflicts (2 of 4 stars). 2 submissions from 2 submitters: Uncertain significance (2). Last evaluated 2024-05-12.

Conditions:
Inborn genetic diseases. Identifiers: MedGen C0950123, MeSH D030342.
Very long chain acyl-CoA dehydrogenase deficiency (ACADVLD). Also called: VLCAD Deficiency; Very Long-Chain Acyl-Coenzyme A Dehydrogenase Deficiency. Identifiers: Orphanet 26793, MedGen C3887523, MONDO:0008723, OMIM 201475.

Allele frequency attached by ClinVar (database versions not stated): gnomAD 0.00001; gnomAD exomes 0.00001; TOPMed 0.00001.
gnomAD v4.1: 13 of 1,613,978 alleles (0.00081%); highest among the groups gnomAD compares: African/African-American, 0.0027%; no homozygotes.

Submissions (2):

Ambry Genetics
Classification: Uncertain significance for Inborn genetic diseases. Last evaluated: 2024-05-12. Review status: criteria provided, single submitter. Criteria: Ambry Variant Classification Scheme 2023. Collection method: clinical testing. Allele origin: germline.

Labcorp Genetics (formerly Invitae), Labcorp
Classification: Uncertain significance for Very long chain acyl-CoA dehydrogenase deficiency. Last evaluated: 2022-07-01. Review status: criteria provided, single submitter. Criteria: Invitae Variant Classification Sherloc (09022015). Collection method: clinical testing. Allele origin: germline.
Comment: This sequence change replaces arginine, which is basic and polar, with tryptophan, which is neutral and slightly polar, at codon 644 of the ACADVL protein (p.Arg644Trp). This variant is present in population databases (no rsID available, gnomAD 0.003%). This variant has not been reported in the literature in individuals affected with ACADVL-related conditions. Algorithms developed to predict the effect of missense changes on protein structure and function are either unavailable or do not agree on the potential impact of this missense change (SIFT: "Deleterious"; PolyPhen-2: "Benign"; Align-GVGD: "Class C0"). In summary, the available evidence is currently insufficient to determine the role of this variant in disease. Therefore, it has been classified as a Variant of Uncertain Significance.

NM_000018.4(ACADVL):c.1930C>T (p.Arg644Trp)

Gene: ACADVL (acyl-CoA dehydrogenase very long chain; plus strand). Cytogenetic location: 17p13.1.
Variant type: single nucleotide variant.
Coding change: c.1930C>T on transcript NM_000018.4 (MANE Select); coding-DNA position 1930, C replaced by T.
Protein change: p.Arg644Trp; replaces arginine 644 with tryptophan.
Molecular consequence: missense variant.
Genome position (GRCh38, 1-based): chr17:7,225,059, C>T. VCF-style: chr17-7225059-C-T. GRCh37 (hg19) VCF-style: chr17-7128378-C-T.
Other names: c.1864C>T, p.Arg622Trp (NM_001033859.3); c.1999C>T, p.Arg667Trp (NM_001270447.2); c.1702C>T, p.Arg568Trp (NM_001270448.2); c.1930C>T (NM_000018.2); short protein forms R622W, R644W, R568W, R667W.
Identifiers: ClinVar variation 2174501 (VCV002174501.2), dbSNP rs1024901354, ClinGen allele CA287441461.
Genomic context (GRCh38, chr17:7,225,059, plus strand): 5'-GACCCCTGGCAGCAAGAGCTCTACCGCAACTTCAAAAGCATCTCCAAGGCCTTGGTGGAG[C>T]GGGGTGGTGTGGTCACCAGCAACCCACTTGGCTTCTGAATACTCCCGGCCAGGGCCTGTC-3'
Protein context (NP_000009.1, residues 634-654): FKSISKALVE[Arg644Trp]GGVVTSNPLG